The following is an entry in ClinVar:

ClinVar aggregate classification (germline): Uncertain significance (1 of 4 stars; one submission).

gnomAD v4.1: 7 of 1,595,274 alleles (0.00044%); highest among the groups gnomAD compares: East Asian, 0.0045%; no homozygotes.

Submission:

GeneDx
Classification: Uncertain significance. Last evaluated: 2025-01-09. Review status: criteria provided, single submitter. Criteria: GeneDx Variant Classification Process June 2021. Collection method: clinical testing. Allele origin: germline. Affected: yes.
Comment: In silico analysis indicates that this missense variant does not alter protein structure/function; Has not been previously published as pathogenic or benign to our knowledge

NM_032608.7(MYO18B):c.1886G>A (p.Arg629Gln)

Gene: MYO18B (myosin XVIIIB; plus strand). Cytogenetic location: 22q12.1.
Variant type: single nucleotide variant.
Coding change: c.1886G>A on transcript NM_032608.7 (MANE Select); coding-DNA position 1886, G replaced by A.
Protein change: p.Arg629Gln; replaces arginine 629 with glutamine.
Molecular consequence: missense variant.
Genome position (GRCh38, 1-based): chr22:25,777,599, G>A. VCF-style: chr22-25777599-G-A. GRCh37 (hg19) VCF-style: chr22-26173566-G-A.
Other names: c.1886G>A, p.Arg629Gln (NM_001318245.2); short protein forms R629Q.
Identifiers: ClinVar variation 4056928 (VCV004056928.1).